The following is an entry in ClinVar:

NM_001036.6(RYR3):c.10415A>C (p.Lys3472Thr)

Gene: RYR3 (ryanodine receptor 3; plus strand). Cytogenetic location: 15q14.
Variant type: single nucleotide variant.
Coding change: c.10415A>C on transcript NM_001036.6 (MANE Select); coding-DNA position 10415, A replaced by C.
Protein change: p.Lys3472Thr; replaces lysine 3472 with threonine.
Molecular consequence: missense variant.
Genome position (GRCh38, 1-based): chr15:33,813,492, A>C. VCF-style: chr15-33813492-A-C. GRCh37 (hg19) VCF-style: chr15-34105693-A-C.
Other names: c.10400A>C, p.Lys3467Thr (NM_001243996.4); short protein forms K3472T, K3467T.
Identifiers: ClinVar variation 1034802 (VCV001034802.8), dbSNP rs2076654425, ClinGen allele CA391583827.

ClinVar aggregate classification (germline): Uncertain significance (1 of 4 stars; one submission).

Conditions:
Epileptic encephalopathy. Identifiers: MedGen C0543888, HP:0200134.

Submission:

Labcorp Genetics (formerly Invitae), Labcorp
Classification: Uncertain significance for Epileptic encephalopathy. Last evaluated: 2020-08-10. Review status: criteria provided, single submitter. Criteria: Invitae Variant Classification Sherloc (09022015). Collection method: clinical testing. Allele origin: germline.
Comment: Algorithms developed to predict the effect of missense changes on protein structure and function are either unavailable or do not agree on the potential impact of this missense change (SIFT: "Deleterious"; PolyPhen-2: "Benign"; Align-GVGD: "Class C0"). In summary, the available evidence is currently insufficient to determine the role of this variant in disease. Therefore, it has been classified as a Variant of Uncertain Significance. This variant has not been reported in the literature in individuals with RYR3-related conditions. This variant is not present in population databases (ExAC no frequency). This sequence change replaces lysine with threonine at codon 3472 of the RYR3 protein (p.Lys3472Thr). The lysine residue is highly conserved and there is a moderate physicochemical difference between lysine and threonine.